The following is an entry in ClinVar:

ClinVar aggregate classification (germline): Uncertain significance. Review status: criteria provided, multiple submitters, no conflicts (2 of 4 stars). 2 submissions from 2 submitters: Uncertain significance (2). Last evaluated 2020-11-17.

Conditions:
Inborn genetic diseases. Identifiers: MedGen C0950123, MeSH D030342.
Epidermolysis bullosa simplex 3, localized or generalized intermediate, with BP230 deficiency (EBS3). Also called: Epidermolysis bullosa simplex due to BP230 deficiency; Epidermolysis bullosa simplex, autosomal recessive 2. Identifiers: Orphanet 412181, MedGen C3809470, MONDO:0014180, OMIM 615425.
Hereditary sensory and autonomic neuropathy type 6. Also called: Neuropathy, hereditary sensory and autonomic, type VI; HSAN VI. Identifiers: Orphanet 314381, MedGen C3539003, MONDO:0013839, OMIM 614653.

Allele frequency attached by ClinVar (database versions not stated): TOPMed below 0.00001; gnomAD 0.00001.
gnomAD v4.1: 1 of 1,612,120 alleles (0.000062%); highest among the groups gnomAD compares: Non-Finnish European, 0.000085%; no homozygotes.

Submissions (2):

Labcorp Genetics (formerly Invitae), Labcorp
Classification: Uncertain significance for Epidermolysis bullosa simplex 3, localized or generalized intermediate, with BP230 deficiency; Hereditary sensory and autonomic neuropathy type 6. Last evaluated: 2020-11-17. Review status: criteria provided, single submitter. Criteria: Invitae Variant Classification Sherloc (09022015). Collection method: clinical testing. Allele origin: germline.
Comment: This sequence change replaces asparagine with aspartic acid at codon 1713 of the DST protein (p.Asn1713Asp). The DST gene has multiple clinically relevant transcripts. This variant occurs in alternate transcript NM_015548.4, and corresponds to NM_001723.5:c.*36682A>G in the primary transcript. This variant is not present in population databases (ExAC no frequency). This variant has not been reported in the literature in individuals with DST-related conditions. Experimental studies and prediction algorithms are not available or were not evaluated, and the functional significance of this variant is currently unknown. In summary, the available evidence is currently insufficient to determine the role of this variant in disease. Therefore, it has been classified as a Variant of Uncertain Significance.

Ambry Genetics
Classification: Uncertain significance for Inborn genetic diseases. Last evaluated: 2020-10-20. Review status: criteria provided, single submitter. Criteria: Ambry Variant Classification Scheme 2023. Collection method: clinical testing. Allele origin: germline.
Comment: The p.N2217D variant (also known as c.6649A>G), located in coding exon 44 of the DST gene, results from an A to G substitution at nucleotide position 6649. The asparagine at codon 2217 is replaced by aspartic acid, an amino acid with highly similar properties. This amino acid position is not well conserved in available vertebrate species. In addition, this alteration is predicted to be tolerated by in silico analysis. Since supporting evidence is limited at this time, the clinical significance of this alteration remains unclear.

NM_001374736.1(DST):c.13006A>G (p.Asn4336Asp)

Gene: DST (dystonin; minus strand). Cytogenetic location: 6p12.1.
Variant type: single nucleotide variant.
Coding change: c.13006A>G on transcript NM_001374736.1 (MANE Select); coding-DNA position 13006, A replaced by G.
Protein change: p.Asn4336Asp; replaces asparagine 4336 with aspartic acid.
Molecular consequence: missense variant.
Genome position (GRCh38, 1-based): chr6:56,578,835, T>C on the plus strand (A>G on the coding strand, the complement: DST is on the minus strand). VCF-style: chr6-56578835-T-C. GRCh37 (hg19) VCF-style: chr6-56443633-T-C.
Other names: c.6235A>G, p.Asn2079Asp (NM_001144770.2); c.13006A>G, p.Asn4336Asp (NM_001374722.1); c.12373A>G, p.Asn4125Asp (NM_001374729.1); c.6115A>G, p.Asn2039Asp (NM_001374730.1, NM_001386100.1, NM_183380.4); c.13033A>G, p.Asn4345Asp (NM_001374734.1); c.5137A>G, p.Asn1713Asp (NM_015548.5); c.6649A>G, p.Asn2217Asp (NM_001144769.5); short protein forms N4336D, N4345D, N2079D, N2217D, N1713D, N4125D, N2039D.
Identifiers: ClinVar variation 1499990 (VCV001499990.8), dbSNP rs760290630, ClinGen allele CA139176171.